The following is an entry in ClinVar:

NM_020975.6(RET):c.2683T>A (p.Leu895Met)

Gene: RET (ret proto-oncogene; plus strand). Cytogenetic location: 10q11.21.
Variant type: single nucleotide variant.
Coding change: c.2683T>A on transcript NM_020975.6 (MANE Select); coding-DNA position 2683, T replaced by A.
Protein change: p.Leu895Met; replaces leucine 895 with methionine.
Molecular consequence: missense variant.
Genome position (GRCh38, 1-based): chr10:43,120,156, T>A. VCF-style: chr10-43120156-T-A. GRCh37 (hg19) VCF-style: chr10-43615604-T-A.
Other names: c.2683T>A, p.Leu895Met (NM_000323.2, NM_001406743.1, NM_001406744.1 and 4 more transcripts); c.1921T>A, p.Leu641Met (NM_001355216.2); c.2554T>A, p.Leu852Met (NM_001406761.1, NM_001406762.1, NM_001406764.1); c.2548T>A, p.Leu850Met (NM_001406763.1, NM_001406765.1); c.1957T>A, p.Leu653Met (NM_001406776.1, NM_001406777.1, NM_001406778.1 and 1 more transcripts); c.1786T>A, p.Leu596Met (NM_001406779.1, NM_001406780.1, NM_001406781.1 and 1 more transcripts); c.1657T>A, p.Leu553Met (NM_001406783.1, NM_001406786.1); c.1693T>A, p.Leu565Met (NM_001406784.1); and 10 more; short protein forms L895M, L641M, L653M, L799M, L852M, L551M, L763M, L412M.
Identifiers: ClinVar variation 477353 (VCV000477353.16), dbSNP rs761720362, ClinGen allele CA040399.
Genomic context (GRCh38, chr10:43,120,156, plus strand): 5'-TTGGCAGCCAGAAACATCCTGGTAGCTGAGGGGCGGAAGATGAAGATTTCGGATTTCGGC[T>A]TGTCCCGAGATGTTTATGAAGAGGATTCCTACGTGAAGAGGAGCCAGGTGCCCAGTCCCG-3'
Protein context (NP_066124.1, residues 885-905): GRKMKISDFG[Leu895Met]SRDVYEEDSY

ClinVar aggregate classification (germline): Uncertain significance. Review status: criteria provided, multiple submitters, no conflicts (2 of 4 stars). 4 submissions from 4 submitters: Uncertain significance (4). Last evaluated 2025-03-28.

Conditions:
Hereditary cancer-predisposing syndrome. Also called: Neoplastic Syndromes, Hereditary; Tumor predisposition; Hereditary neoplastic syndrome; Hereditary Cancer Syndrome. Identifiers: Orphanet 140162, MedGen C0027672, MeSH D009386, MONDO:0015356.
Multiple endocrine neoplasia, type 2 (MEN2). Identifiers: Orphanet 653, MedGen C4048306, MONDO:0019003. Disease mechanism: gain of function.

Allele frequency attached by ClinVar (database versions not stated): TOPMed below 0.00001; ExAC 0.00001; gnomAD 0.00001; gnomAD exomes below 0.00001.
gnomAD v4.1: 4 of 1,613,730 alleles (0.00025%); highest among the groups gnomAD compares: East Asian, 0.0045%; no homozygotes.

Submissions (4):

Ambry Genetics
Classification: Uncertain significance for Hereditary cancer-predisposing syndrome. Last evaluated: 2025-03-28. Review status: criteria provided, single submitter. Criteria: Ambry Variant Classification Scheme 2023. Collection method: clinical testing. Allele origin: germline.
Comment: The p.L895M variant (also known as c.2683T>A), located in coding exon 15 of the RET gene, results from a T to A substitution at nucleotide position 2683. The leucine at codon 895 is replaced by methionine, an amino acid with highly similar properties. This amino acid position is highly conserved in available vertebrate species. In addition, this alteration is predicted to be deleterious by in silico analysis. Since supporting evidence is limited at this time, the clinical significance of this alteration remains unclear.

Labcorp Genetics (formerly Invitae), Labcorp
Classification: Uncertain significance for Multiple endocrine neoplasia, type 2. Last evaluated: 2024-12-04. Review status: criteria provided, single submitter. Criteria: Invitae Variant Classification Sherloc (09022015). Collection method: clinical testing. Allele origin: germline.
Comment: This sequence change replaces leucine, which is neutral and non-polar, with methionine, which is neutral and non-polar, at codon 895 of the RET protein (p.Leu895Met). This variant is present in population databases (rs761720362, gnomAD 0.006%). This variant has not been reported in the literature in individuals affected with RET-related conditions. ClinVar contains an entry for this variant (Variation ID: 477353). An algorithm developed to predict the effect of missense changes on protein structure and function (PolyPhen-2) suggests that this variant is likely to be disruptive. In summary, the available evidence is currently insufficient to determine the role of this variant in disease. Therefore, it has been classified as a Variant of Uncertain Significance.

All of Us Research Program, National Institutes of Health
Classification: Uncertain significance for Multiple endocrine neoplasia, type 2. Last evaluated: 2024-09-23. Review status: criteria provided, single submitter. Criteria: ACMG Guidelines, 2015. Collection method: clinical testing. Allele origin: germline. Inheritance: Autosomal dominant inheritance. Observed: 1 variant allele, 1 heterozygote.
Comment: This study involves interpretation of variants in research participants for the purpose of population health screening. Participant phenotype was not available at the time of variant classification. Additional details can be found in publication PMID: 35346344, PMCID: PMC8962531

Dasa
Classification: Uncertain significance. Last evaluated: 2024-06-10. Review status: criteria provided, single submitter. Criteria: DASA Assertion Criteria. Collection method: clinical testing. Allele origin: germline.
Comment: NM_020975.6(RET):c.2683T>A (p.Leu895Met) is a missense variant that results in the substitution of leucine with methionine. This variant is rare in population databases. Computational prediction algorithms are consistent with a deleterious effect. The currently available literature and clinical evidence are not sufficient to establish a definitive association between this variant and the reported condition. Therefore, this variant is classified as a variant of uncertain significance.